The following is an entry in ClinVar:

NM_014053.4(FLVCR1):c.*3313G>T

Gene: FLVCR1 (FLVCR choline and heme transporter 1; plus strand). Cytogenetic location: 1q32.3.
Variant type: single nucleotide variant.
Coding change: c.*3313G>T on transcript NM_014053.4 (MANE Select); 3313 bases downstream of the stop codon, G replaced by T.
Molecular consequence: 3 prime UTR variant.
Genome position (GRCh38, 1-based): chr1:212,898,603, G>T. VCF-style: chr1-212898603-G-T. GRCh37 (hg19) VCF-style: chr1-213071945-G-T.
Identifiers: ClinVar variation 295400 (VCV000295400.6), dbSNP rs15903, ClinGen allele CA10609814.
Genomic context (GRCh38, chr1:212,898,603, plus strand): 5'-TGTTATGTTTATTTTTCCTTGTTGATTAGAAAGGTGATGGAATATGTGACAATGCAAAAT[G>T]AATTGATAATTTTTCTGTATTTTGAGTGAAAGTTGTCTGTAATATGTCAAGCAAGAATGT-3'

ClinVar aggregate classification (germline): Benign. Review status: criteria provided, multiple submitters, no conflicts (2 of 4 stars). 2 submissions from 2 submitters: Benign (2). Last evaluated 2018-01-12.

Conditions:
Posterior column ataxia-retinitis pigmentosa syndrome (RETSNS). Also called: RETINOPATHY-SENSORY NEUROPATHY SYNDROME. Identifiers: Orphanet 88628, MedGen C1836916, MONDO:0012177, OMIM 609033.

Allele frequency attached by ClinVar (database versions not stated): gnomAD 0.20160 and 0.21069; TOPMed 0.20905; 1000 Genomes Project 0.19069; 1000 Genomes Project 30x 0.19706.

Submissions (2):

Illumina Laboratory Services, Illumina
Classification: Benign for Posterior column ataxia-retinitis pigmentosa syndrome. Last evaluated: 2018-01-12. Review status: criteria provided, single submitter. Criteria: ICSL Variant Classification Criteria 13 December 2019. Collection method: clinical testing. Allele origin: germline.
Comment: This variant was observed in the ICSL laboratory as part of a predisposition screen in an ostensibly healthy population. It had not been previously curated by ICSL or reported in the Human Gene Mutation Database (HGMD: prior to June 1st, 2018), and was therefore a candidate for classification through an automated scoring system. Utilizing variant allele frequency, disease prevalence and penetrance estimates, and inheritance mode, an automated score was calculated to assess if this variant is too frequent to cause the disease. Based on the score and internal cut-off values, a variant classified as benign is not then subjected to further curation. The score for this variant resulted in a classification of benign for this disease.

Breakthrough Genomics
Classification: Benign. Review status: criteria provided, single submitter. Criteria: ACMG Guidelines, 2015. Collection method: not provided. Allele origin: germline. Inheritance: Autosomal recessive inheritance. Affected: yes.